The following is an entry in ClinVar:

ClinVar aggregate classification (germline): Benign. Review status: criteria provided, multiple submitters, no conflicts (2 of 4 stars). 2 submissions from 2 submitters: Benign (2). Last evaluated 2018-06-15.

Allele frequency attached by ClinVar (database versions not stated): 1000 Genomes Project 0.08347; gnomAD 0.08370; TOPMed 0.08499; 1000 Genomes Project 30x 0.08635.
gnomAD v4.1: 12,322 of 152,134 alleles (8.1%); highest among the groups gnomAD compares: African/African-American, 19%; 912 homozygotes.

Submissions (2):

GeneDx
Classification: Benign. Last evaluated: 2018-06-15. Review status: criteria provided, single submitter. Criteria: GeneDx Variant Classification (06012015). Collection method: clinical testing. Allele origin: germline. Affected: yes.
Comment: This variant is considered likely benign or benign based on one or more of the following criteria: it is a conservative change, it occurs at a poorly conserved position in the protein, it is predicted to be benign by multiple in silico algorithms, and/or has population frequency not consistent with disease.

Breakthrough Genomics
Classification: Benign. Review status: criteria provided, single submitter. Criteria: ACMG Guidelines, 2015. Collection method: not provided. Allele origin: germline. Inheritance: Autosomal dominant inheritance. Affected: yes.

NM_001035.3(RYR2):c.11776-185T>G

Gene: RYR2 (ryanodine receptor 2; plus strand). Cytogenetic location: 1q43.
Variant type: single nucleotide variant.
Coding change: c.11776-185T>G on transcript NM_001035.3 (MANE Select); 185 bases into the intron before coding-DNA position 11776, T replaced by G.
Molecular consequence: intron variant.
Genome position (GRCh38, 1-based): chr1:237,778,481, T>G. VCF-style: chr1-237778481-T-G. GRCh37 (hg19) VCF-style: chr1-237941781-T-G.
Identifiers: ClinVar variation 672104 (VCV000672104.2), dbSNP rs3766889, ClinGen allele CA10934875.